The following is an entry in ClinVar:

NM_002878.4(RAD51D):c.122A>C (p.Gln41Pro)

Genes: RAD51L3-RFFL (RAD51L3-RFFL readthrough; minus strand), RAD51D (RAD51 paralog D; minus strand). Cytogenetic location: 17q12.
Variant type: single nucleotide variant.
Coding change: c.122A>C on transcript NM_002878.4 (MANE Select); coding-DNA position 122, A replaced by C.
Protein change: p.Gln41Pro; replaces glutamine 41 with proline.
Molecular consequence: missense variant. On other transcripts: non-coding transcript variant (2).
Genome position (GRCh38, 1-based): chr17:35,119,133, T>G on the plus strand (A>C on the coding strand, the complement: RAD51D is on the minus strand). VCF-style: chr17-35119133-T-G. GRCh37 (hg19) VCF-style: chr17-33446152-T-G.
Other names: c.122A>C, p.Gln41Pro (NM_001142571.2, NM_133629.3); short protein forms Q41P.
Identifiers: ClinVar variation 925398 (VCV000925398.4), dbSNP rs750412372, ClinGen allele CA399091853.

ClinVar aggregate classification (germline): Uncertain significance (1 of 4 stars; one submission).

Conditions:
Hereditary cancer-predisposing syndrome. Also called: Neoplastic Syndromes, Hereditary; Tumor predisposition; Hereditary Cancer Syndrome; Hereditary neoplastic syndrome. Identifiers: Orphanet 140162, MedGen C0027672, MeSH D009386, MONDO:0015356.

gnomAD v4.1: 1 of 1,613,808 alleles (0.000062%); no homozygotes.

Submission:

Color Diagnostics, LLC DBA Color Health
Classification: Uncertain significance for Hereditary cancer-predisposing syndrome. Last evaluated: 2024-03-06. Review status: criteria provided, single submitter. Criteria: ACMG Guidelines, 2015. Collection method: clinical testing. Allele origin: germline.
Comment: This missense variant replaces glutamine with proline at codon 41 of the RAD51D protein. Computational prediction suggests that this variant may not impact protein structure and function (internally defined REVEL score threshold <= 0.5, PMID: 27666373). Splice site prediction tools suggest that this variant may not impact RNA splicing. To our knowledge, functional studies have not been performed for this variant. This variant has not been reported in individuals affected with hereditary cancer in the literature. This variant has been identified in 1/251464 chromosomes in the general population by the Genome Aggregation Database (gnomAD). The available evidence is insufficient to determine the role of this variant in disease conclusively. Therefore, this variant is classified as a Variant of Uncertain Significance.